The following is an entry in ClinVar:

ClinVar aggregate classification (germline): Likely benign. Review status: criteria provided, multiple submitters, no conflicts (2 of 4 stars). 2 submissions from 2 submitters: Likely benign (2). Last evaluated 2025-08-20.

Conditions:
FRAS1-related disorder. Also called: FRAS1-related condition.

Allele frequency attached by ClinVar (database versions not stated): TOPMed 0.00005; ExAC 0.00007; gnomAD exomes 0.00010.
gnomAD v4.1: 27 of 1,589,736 alleles (0.0017%); highest among the groups gnomAD compares: Admixed American, 0.045%; no homozygotes.

Submissions (2):

Labcorp Genetics (formerly Invitae), Labcorp
Classification: Likely benign. Last evaluated: 2025-08-20. Review status: criteria provided, single submitter. Criteria: Invitae Variant Classification Sherloc (09022015). Collection method: clinical testing. Allele origin: germline.

PreventionGenetics, part of Exact Sciences
Classification: Likely benign for FRAS1-related condition. Last evaluated: 2025-08-05. Review status: criteria provided, single submitter. Criteria: ACMG Guidelines, 2015. Collection method: clinical testing. Allele origin: germline.
Comment: This variant is classified as likely benign based on ACMG/AMP sequence variant interpretation guidelines (Richards et al. 2015 PMID: 25741868, with internal and published modifications).

NM_025074.7(FRAS1):c.210T>C (p.Phe70=)

Gene: FRAS1 (Fraser extracellular matrix complex subunit 1; plus strand). Cytogenetic location: 4q21.21.
Variant type: single nucleotide variant.
Coding change: c.210T>C on transcript NM_025074.7 (MANE Select); coding-DNA position 210, T replaced by C.
Protein change: p.Phe70=; no amino-acid change (phenylalanine 70 retained).
Molecular consequence: synonymous variant.
Genome position (GRCh38, 1-based): chr4:78,237,611, T>C. VCF-style: chr4-78237611-T-C. GRCh37 (hg19) VCF-style: chr4-79158765-T-C.
Other names: c.210T>C, p.Phe70= (NM_001166133.2).
Identifiers: ClinVar variation 729609 (VCV000729609.9), dbSNP rs768188146, ClinGen allele CA2975861.